The following is an entry in ClinVar:

NM_003119.4(SPG7):c.292_295del (p.Thr98fs)

Gene: SPG7 (SPG7 matrix AAA peptidase subunit, paraplegin; plus strand). Cytogenetic location: 16q24.3.
Variant type: Deletion.
Coding change: c.292_295del on transcript NM_003119.4 (MANE Select); coding-DNA positions 292 to 295, 4 bases deleted (ACTT; older notation c.292_295delACTT).
Protein change: p.Thr98fs; shifts the reading frame from threonine 98.
Molecular consequence: frameshift variant.
Genome position (GRCh38, 1-based): chr16:89,512,953-89,512,956, ACTT deleted; deleting any 4 consecutive bases within chr16:89,512,952-89,512,956 gives the same sequence; the c. name uses the placement nearest the transcript's 3' end. VCF-style (leftmost placement, unchanged base first): chr16-89512951-GTACT-G. GRCh37 (hg19) VCF-style: chr16-89579359-GTACT-G.
Other names: c.292_295del, p.Thr98fs (NM_001363850.1, NM_199367.3); short protein forms T98fs.
Identifiers: ClinVar variation 3236287 (VCV003236287.2).

ClinVar aggregate classification (germline): Pathogenic/Likely pathogenic. Review status: criteria provided, multiple submitters, no conflicts (2 of 4 stars). 2 submissions from 2 submitters: Pathogenic (1); Likely pathogenic (1). Last evaluated 2025-12-31.

Conditions:
Hereditary spastic paraplegia 7 (SPG7). Also called: Autosomal recessive spastic paraplegia type 7; SPASTIC PARAPLEGIA 7, AUTOSOMAL RECESSIVE, WITH OR WITHOUT CEREBELLAR ATAXIA; Spastic paraplegia 7; Hereditary spastic paraplegia Paraplegin type; SPG7-related neurologic disorder. Identifiers: Orphanet 99013, MedGen C1846564, MONDO:0011803, OMIM 607259.

Submissions (2):

Laboratorio de Genetica e Diagnostico Molecular, Hospital Israelita Albert Einstein
Classification: Pathogenic for Hereditary spastic paraplegia 7. Last evaluated: 2025-12-31. Review status: criteria provided, single submitter. Criteria: ACMG Guidelines, 2015. Collection method: clinical testing. Allele origin: germline. Affected: yes.
Comment: ACMG classification criteria: PVS1 very strong, PM2 supporting, PM3 supporting

PROSPAX: an integrated multimodal progression  chart in spastic ataxias, Center for Neurology; Hertie-Institute for Clinical Brain Research
Classification: Likely pathogenic for Hereditary spastic paraplegia 7. Last evaluated: 2022-01-01. Review status: criteria provided, single submitter. Criteria: ACMG Guidelines, 2015. Collection method: research. Allele origin: germline. Affected: yes. Observed: 1 variant allele, 1 compound heterozygote.